The following is an entry in ClinVar:

ClinVar aggregate classification (germline): Likely benign (1 of 4 stars; one submission).

Allele frequency attached by ClinVar (database versions not stated): gnomAD exomes below 0.00001.
gnomAD v4.1: 1 of 1,510,882 alleles (0.000066%); highest among the groups gnomAD compares: Non-Finnish European, 0.000092%; no homozygotes.

Submission:

GeneDx
Classification: Likely benign. Last evaluated: 2016-07-20. Review status: criteria provided, single submitter. Criteria: GeneDx Variant Classification (06012015). Collection method: clinical testing. Allele origin: germline. Affected: yes.
Comment: This variant is considered likely benign or benign based on one or more of the following criteria: it is a conservative change, it occurs at a poorly conserved position in the protein, it is predicted to be benign by multiple in silico algorithms, and/or has population frequency not consistent with disease.

NM_005506.4(SCARB2):c.-48G>A

Gene: SCARB2 (scavenger receptor class B member 2; minus strand). Cytogenetic location: 4q21.1.
Variant type: single nucleotide variant.
Coding change: c.-48G>A on transcript NM_005506.4 (MANE Select); 48 bases upstream of the start codon, G replaced by A.
Molecular consequence: 5 prime UTR variant.
Genome position (GRCh38, 1-based): chr4:76,213,591, C>T on the plus strand (G>A on the coding strand, the complement: SCARB2 is on the minus strand). VCF-style: chr4-76213591-C-T. GRCh37 (hg19) VCF-style: chr4-77134744-C-T.
Other names: c.-48G>A (NM_001204255.2).
Identifiers: ClinVar variation 387650 (VCV000387650.1), dbSNP rs1057522858, ClinGen allele CA16604743.